The following is an entry in ClinVar:

NM_004329.3(BMPR1A):c.868+5G>A

Gene: BMPR1A (bone morphogenetic protein receptor type 1A; plus strand). Cytogenetic location: 10q23.2.
Variant type: single nucleotide variant.
Coding change: c.868+5G>A on transcript NM_004329.3 (MANE Select); 5 bases into the intron after coding-DNA position 868, G replaced by A.
Molecular consequence: intron variant.
Genome position (GRCh38, 1-based): chr10:86,917,331, G>A. VCF-style: chr10-86917331-G-A. GRCh37 (hg19) VCF-style: chr10-88677088-G-A.
Other names: c.868+5G>A (NM_004329.2).
Identifiers: ClinVar variation 2035278 (VCV002035278.7), dbSNP rs2539605911, ClinGen allele CA2580082111.

ClinVar aggregate classification (germline): Uncertain significance. Review status: criteria provided, multiple submitters, no conflicts (2 of 4 stars). 3 submissions from 3 submitters: Uncertain significance (3). Last evaluated 2024-12-04.

Conditions:
Juvenile polyposis syndrome (JPS). Identifiers: Orphanet 2929, MedGen C0345893, MONDO:0017380, OMIM 174900.
Hereditary cancer-predisposing syndrome. Also called: Tumor predisposition; Hereditary neoplastic syndrome; Neoplastic Syndromes, Hereditary; Hereditary Cancer Syndrome. Identifiers: Orphanet 140162, MedGen C0027672, MeSH D009386, MONDO:0015356.
Generalized juvenile polyposis/juvenile polyposis coli. Also called: Juvenile polyposis coli. Identifiers: Orphanet 329971, MedGen C1868081, MONDO:0008276.

Submissions (3):

Molecular Pathology, Peter Maccallum Cancer Centre
Classification: Uncertain significance for Generalized juvenile polyposis/juvenile polyposis coli. Last evaluated: 2024-12-04. Review status: criteria provided, single submitter. Criteria: ACMG Guidelines, 2015. Collection method: clinical testing. Allele origin: germline. Inheritance: Autosomal dominant inheritance.

Ambry Genetics
Classification: Uncertain significance for Hereditary cancer-predisposing syndrome. Last evaluated: 2023-08-03. Review status: criteria provided, single submitter. Criteria: Ambry Variant Classification Scheme 2023. Collection method: clinical testing. Allele origin: germline.
Comment: The c.868+5G>A intronic variant results from a G to A substitution 5 nucleotides after coding exon 7 in the BMPR1A gene. This nucleotide position is highly conserved in available vertebrate species. In silico splice site analysis predicts that this alteration will weaken the native splice donor site; however, direct evidence is insufficient at this time (Ambry internal data). Since supporting evidence is limited at this time, the clinical significance of this alteration remains unclear.

Labcorp Genetics (formerly Invitae), Labcorp
Classification: Uncertain significance for Juvenile polyposis syndrome. Last evaluated: 2022-10-12. Review status: criteria provided, single submitter. Criteria: Invitae Variant Classification Sherloc (09022015). Collection method: clinical testing. Allele origin: germline.
Comment: In summary, the available evidence is currently insufficient to determine the role of this variant in disease. Therefore, it has been classified as a Variant of Uncertain Significance. Variants that disrupt the consensus splice site are a relatively common cause of aberrant splicing (PMID: 17576681, 9536098). Algorithms developed to predict the effect of sequence changes on RNA splicing suggest that this variant may disrupt the consensus splice site. This variant has not been reported in the literature in individuals affected with BMPR1A-related conditions. This variant is not present in population databases (gnomAD no frequency). This sequence change falls in intron 9 of the BMPR1A gene. It does not directly change the encoded amino acid sequence of the BMPR1A protein. It affects a nucleotide within the consensus splice site.

Literature cited by the submitters: PubMed 17576681 (cited by Labcorp Genetics (formerly Invitae), Labcorp); PubMed 9536098 (cited by Labcorp Genetics (formerly Invitae), Labcorp).